The following is an entry in ClinVar:

ClinVar aggregate classification (germline): Likely benign. Review status: criteria provided, single submitter (1 of 4 stars). 2 submissions from 2 submitters: Likely benign (1). 1 of the submissions does not count toward it. Last evaluated 2025-11-25.

Conditions:
EP300-related disorder. Also called: EP300-related condition; EP300-related disorders.
Rubinstein-Taybi syndrome due to EP300 haploinsufficiency. Also called: EP300-Related Rubinstein-Taybi Syndrome; RUBINSTEIN-TAYBI SYNDROME 2. Identifiers: Orphanet 353284, Orphanet 783, MedGen C3150941, MONDO:0013364, OMIM 613684.

Allele frequency attached by ClinVar (database versions not stated): gnomAD exomes below 0.00001; gnomAD 0.00005; TOPMed 0.00005.
gnomAD v4.1: 9 of 1,614,022 alleles (0.00056%); highest among the groups gnomAD compares: African/African-American, 0.012%; no homozygotes.

Submissions (2):

Labcorp Genetics (formerly Invitae), Labcorp
Classification: Likely benign for Rubinstein-Taybi syndrome due to EP300 haploinsufficiency. Last evaluated: 2025-11-25. Review status: criteria provided, single submitter. Criteria: Invitae Variant Classification Sherloc (09022015). Collection method: clinical testing. Allele origin: germline.

PreventionGenetics, part of Exact Sciences
Classification: Likely benign for EP300-related condition. Last evaluated: 2022-01-13. Review status: no assertion criteria provided. Collection method: clinical testing. Allele origin: germline. Not counted in ClinVar's aggregate classification.
Comment: This variant is classified as likely benign based on ACMG/AMP sequence variant interpretation guidelines (Richards et al. 2015 PMID: 25741868, with internal and published modifications).

NM_001429.4(EP300):c.5391G>A (p.Gln1797=)

Gene: EP300 (EP300 lysine acetyltransferase; plus strand). Cytogenetic location: 22q13.2.
Variant type: single nucleotide variant.
Coding change: c.5391G>A on transcript NM_001429.4 (MANE Select); coding-DNA position 5391, G replaced by A.
Protein change: p.Gln1797=; no amino-acid change (glutamine 1797 retained).
Molecular consequence: synonymous variant.
Genome position (GRCh38, 1-based): chr22:41,177,102, G>A. VCF-style: chr22-41177102-G-A. GRCh37 (hg19) VCF-style: chr22-41573106-G-A.
Other names: c.5313G>A, p.Gln1771= (NM_001362843.2).
Identifiers: ClinVar variation 745248 (VCV000745248.10), dbSNP rs1014464615, ClinGen allele CA324558502.